The following is an entry in ClinVar:

ClinVar aggregate classification (germline): Uncertain significance (0 of 4 stars; one submission).

Conditions:
CUL4B-related disorder. Also called: CUL4B-related condition.

Submission:

PreventionGenetics, part of Exact Sciences
Classification: Uncertain significance for CUL4B-related condition. Last evaluated: 2024-09-12. Review status: no assertion criteria provided. Collection method: clinical testing. Allele origin: germline.
Comment: The CUL4B c.717A>C variant is predicted to result in the amino acid substitution p.Glu239Asp. To our knowledge, this variant has not been reported in the literature or in a large population database, indicating this variant is rare. At this time, the clinical significance of this variant is uncertain due to the absence of conclusive functional and genetic evidence.

NM_001079872.2(CUL4B):c.663A>C (p.Glu221Asp)

Gene: CUL4B (cullin 4B; minus strand). Cytogenetic location: Xq24.
Variant type: single nucleotide variant.
Coding change: c.663A>C on transcript NM_001079872.2 (MANE Select); coding-DNA position 663, A replaced by C.
Protein change: p.Glu221Asp; replaces glutamic acid 221 with aspartic acid.
Molecular consequence: missense variant.
Genome position (GRCh38, 1-based): chrX:120,557,933, T>G on the plus strand (A>C on the coding strand, the complement: CUL4B is on the minus strand). VCF-style: chrX-120557933-T-G. GRCh37 (hg19) VCF-style: chrX-119691788-T-G.
Other names: c.678A>C, p.Glu226Asp (NM_001330624.2); c.129A>C, p.Glu43Asp (NM_001369145.1); c.717A>C, p.Glu239Asp (NM_003588.4); short protein forms E221D, E226D, E239D, E43D.
Identifiers: ClinVar variation 3347125 (VCV003347125.1).